The following is an entry in ClinVar:

NM_000642.3(AGL):c.4177A>G (p.Thr1393Ala)

Gene: AGL (amylo-alpha-1,6-glucosidase and 4-alpha-glucanotransferase; plus strand). Cytogenetic location: 1p21.2.
Variant type: single nucleotide variant.
Coding change: c.4177A>G on transcript NM_000642.3 (MANE Select); coding-DNA position 4177, A replaced by G.
Protein change: p.Thr1393Ala; replaces threonine 1393 with alanine.
Molecular consequence: missense variant.
Genome position (GRCh38, 1-based): chr1:99,915,404, A>G. VCF-style: chr1-99915404-A-G. GRCh37 (hg19) VCF-style: chr1-100380960-A-G.
Other names: c.4177A>G, p.Thr1393Ala (NM_000028.3, NM_000643.3, NM_000644.3 and 1 more transcripts); c.4129A>G, p.Thr1377Ala (NM_000646.3); c.4156A>G, p.Thr1386Ala (NM_001425326.1); c.3976A>G, p.Thr1326Ala (NM_001425327.1); c.3973A>G, p.Thr1325Ala (NM_001425328.1); c.3838A>G, p.Thr1280Ala (NM_001425329.1); c.3799A>G, p.Thr1267Ala (NM_001425332.1); short protein forms T1377A, T1393A, T1267A, T1280A, T1325A, T1326A, T1386A.
Identifiers: ClinVar variation 1041853 (VCV001041853.9), dbSNP rs781588707, ClinGen allele CA967343.

ClinVar aggregate classification (germline): Uncertain significance (1 of 4 stars; one submission).

Conditions:
Glycogen storage disease type III (GSD3). Also called: Cori disease; FORBES DISEASE. Identifiers: Orphanet 366, MedGen C0017922, MONDO:0009291, OMIM 232400.

Allele frequency attached by ClinVar (database versions not stated): gnomAD exomes below 0.00001 and 0.00001; ExAC 0.00001.
gnomAD v4.1: 9 of 1,613,944 alleles (0.00056%); highest among the groups gnomAD compares: Non-Finnish European, 0.00076%; no homozygotes.

Submission:

Labcorp Genetics (formerly Invitae), Labcorp
Classification: Uncertain significance for Glycogen storage disease type III. Last evaluated: 2022-10-05. Review status: criteria provided, single submitter. Criteria: Invitae Variant Classification Sherloc (09022015). Collection method: clinical testing. Allele origin: germline.
Comment: This sequence change replaces threonine, which is neutral and polar, with alanine, which is neutral and non-polar, at codon 1393 of the AGL protein (p.Thr1393Ala). This variant is present in population databases (rs781588707, gnomAD 0.0009%). This variant has not been reported in the literature in individuals affected with AGL-related conditions. ClinVar contains an entry for this variant (Variation ID: 1041853). Algorithms developed to predict the effect of missense changes on protein structure and function (SIFT, PolyPhen-2, Align-GVGD) all suggest that this variant is likely to be tolerated. In summary, the available evidence is currently insufficient to determine the role of this variant in disease. Therefore, it has been classified as a Variant of Uncertain Significance.